The following is an entry in ClinVar:

ClinVar aggregate classification (germline): Uncertain significance (1 of 4 stars; one submission).

Conditions:
Hereditary nonpolyposis colorectal neoplasms. Identifiers: MedGen C0009405, MeSH D003123.

Submission:

Labcorp Genetics (formerly Invitae), Labcorp
Classification: Uncertain significance for Hereditary nonpolyposis colorectal neoplasms. Last evaluated: 2023-09-12. Review status: criteria provided, single submitter. Criteria: Invitae Variant Classification Sherloc (09022015). Collection method: clinical testing. Allele origin: germline.
Comment: Advanced modeling of protein sequence and biophysical properties (such as structural, functional, and spatial information, amino acid conservation, physicochemical variation, residue mobility, and thermodynamic stability) performed at Invitae indicates that this missense variant is not expected to disrupt MSH6 protein function. In summary, the available evidence is currently insufficient to determine the role of this variant in disease. Therefore, it has been classified as a Variant of Uncertain Significance. This variant has not been reported in the literature in individuals affected with MSH6-related conditions. This variant is not present in population databases (gnomAD no frequency). This sequence change replaces arginine, which is basic and polar, with lysine, which is basic and polar, at codon 644 of the MSH6 protein (p.Arg644Lys).

NM_000179.3(MSH6):c.1931G>A (p.Arg644Lys)

Gene: MSH6 (mutS homolog 6; plus strand). Cytogenetic location: 2p16.3.
Variant type: single nucleotide variant.
Coding change: c.1931G>A on transcript NM_000179.3 (MANE Select); coding-DNA position 1931, G replaced by A.
Protein change: p.Arg644Lys; replaces arginine 644 with lysine.
Molecular consequence: missense variant. On other transcripts: non-coding transcript variant (5), intron variant (2).
Genome position (GRCh38, 1-based): chr2:47,799,914, G>A. VCF-style: chr2-47799914-G-A. GRCh37 (hg19) VCF-style: chr2-48027053-G-A.
Other names: c.1634G>A, p.Arg545Lys (NM_001406805.1, NM_001406827.1, NM_001406828.1 and 10 more transcripts); c.1406G>A, p.Arg469Lys (NM_001406806.1, NM_001406807.1, NM_001406799.1); c.1931G>A, p.Arg644Lys (NM_001406808.1, NM_001406809.1, NM_001406796.1 and 3 more transcripts); c.1025G>A, p.Arg342Lys (NM_001406811.1, NM_001406812.1, NM_001406814.1 and 6 more transcripts); c.1937G>A, p.Arg646Lys (NM_001406813.1); c.1763G>A, p.Arg588Lys (NM_001406826.1); c.1606+325G>A (NM_001406817.1); c.628-752G>A (NM_001407362.1); and 3 more; short protein forms R545K, R588K, R646K, R342K, R514K, R618K, R644K, R469K.
Identifiers: ClinVar variation 2760278 (VCV002760278.3), dbSNP rs1324616148, ClinGen allele CA346750375.